The following is an entry in ClinVar:

NM_006432.5(NPC2):c.160T>C (p.Ser54Pro)

Gene: NPC2 (NPC intracellular cholesterol transporter 2; minus strand). Cytogenetic location: 14q24.3.
Variant type: single nucleotide variant.
Coding change: c.160T>C on transcript NM_006432.5 (MANE Select); coding-DNA position 160, T replaced by C.
Protein change: p.Ser54Pro; replaces serine 54 with proline.
Molecular consequence: missense variant.
Genome position (GRCh38, 1-based): chr14:74,486,359, A>G on the plus strand (T>C on the coding strand, the complement: NPC2 is on the minus strand). VCF-style: chr14-74486359-A-G. GRCh37 (hg19) VCF-style: chr14-74953062-A-G.
Other names: c.160T>C, p.Ser54Pro (NM_001363688.1, NM_001375440.1); short protein forms S54P.
Identifiers: ClinVar variation 1405701 (VCV001405701.4), dbSNP rs767080399, ClinGen allele CA7268188.

ClinVar aggregate classification (germline): Uncertain significance (1 of 4 stars; one submission).

Conditions:
Niemann-Pick disease, type C2 (NPC2). Identifiers: Orphanet 646, MedGen C1843366, MONDO:0011873, OMIM 607625.

Allele frequency attached by ClinVar (database versions not stated): gnomAD 0.00001; ExAC 0.00002; TOPMed 0.00002; gnomAD exomes 0.00005.
gnomAD v4.1: 78 of 1,603,940 alleles (0.0049%); highest among the groups gnomAD compares: Non-Finnish European, 0.0064%; no homozygotes.

Submission:

Labcorp Genetics (formerly Invitae), Labcorp
Classification: Uncertain significance for Niemann-Pick disease, type C2. Last evaluated: 2023-11-27. Review status: criteria provided, single submitter. Criteria: Invitae Variant Classification Sherloc (09022015). Collection method: clinical testing. Allele origin: germline.
Comment: This sequence change replaces serine, which is neutral and polar, with proline, which is neutral and non-polar, at codon 54 of the NPC2 protein (p.Ser54Pro). The frequency data for this variant in the population databases is considered unreliable, as metrics indicate poor data quality at this position in the gnomAD database. This variant has not been reported in the literature in individuals affected with NPC2-related conditions. ClinVar contains an entry for this variant (Variation ID: 1405701). An algorithm developed to predict the effect of missense changes on protein structure and function (PolyPhen-2) suggests that this variant¬†is likely to be tolerated. In summary, the available evidence is currently insufficient to determine the role of this variant in disease. Therefore, it has been classified as a Variant of Uncertain Significance.